The following is an entry in ClinVar:

NM_017617.5(NOTCH1):c.5590C>G (p.Gln1864Glu)

Gene: NOTCH1 (notch receptor 1; minus strand). Cytogenetic location: 9q34.3.
Variant type: single nucleotide variant.
Coding change: c.5590C>G on transcript NM_017617.5 (MANE Select); coding-DNA position 5590, C replaced by G.
Protein change: p.Gln1864Glu; replaces glutamine 1864 with glutamic acid.
Molecular consequence: missense variant.
Genome position (GRCh38, 1-based): chr9:136,501,796, G>C on the plus strand (C>G on the coding strand, the complement: NOTCH1 is on the minus strand). VCF-style: chr9-136501796-G-C. GRCh37 (hg19) VCF-style: chr9-139396248-G-C.
Other names: short protein forms Q1864E.
Identifiers: ClinVar variation 4742015 (VCV004742015.1).

ClinVar aggregate classification (germline): Uncertain significance (1 of 4 stars; one submission).

Conditions:
Adams-Oliver syndrome 5 (AOS5). Identifiers: Orphanet 974, MedGen C4014970, MONDO:0014459, OMIM 616028.

Submission:

Labcorp Genetics (formerly Invitae), Labcorp
Classification: Uncertain significance for Adams-Oliver syndrome 5. Last evaluated: 2025-09-03. Review status: criteria provided, single submitter. Criteria: Invitae Variant Classification Sherloc (09022015). Collection method: clinical testing. Allele origin: germline.
Comment: This sequence change replaces glutamine, which is neutral and polar, with glutamic acid, which is acidic and polar, at codon 1864 of the NOTCH1 protein (p.Gln1864Glu). This variant is not present in population databases (gnomAD no frequency). This variant has not been reported in the literature in individuals affected with NOTCH1-related conditions. Invitae Evidence Modeling of protein sequence and biophysical properties (such as structural, functional, and spatial information, amino acid conservation, physicochemical variation, residue mobility, and thermodynamic stability) indicates that this missense variant is not expected to disrupt NOTCH1 protein function with a negative predictive value of 80%. In summary, the available evidence is currently insufficient to determine the role of this variant in disease. Therefore, it has been classified as a Variant of Uncertain Significance.